The following is an entry in ClinVar:

ClinVar aggregate classification (germline): Likely benign. Review status: criteria provided, single submitter (1 of 4 stars). 2 submissions from 2 submitters: Likely benign (1). 1 of the submissions does not count toward it. Last evaluated 2025-10-27.

Conditions:
CHD7-related disorder. Also called: CHD7-related condition.
CHARGE syndrome (CHARGE). Also called: Hittner Hirsch Kreh syndrome; CHARGE ASSOCIATION--COLOBOMA, HEART ANOMALY, CHOANAL ATRESIA, RETARDATION, GENITAL AND EAR ANOMALIES; Coloboma, heart anomaly, choanal atresia, retardation, genital and ear anomalies; CHARGE association; Hall-Hittner syndrome. Identifiers: Orphanet 138, MedGen C0265354, MONDO:0008965.

Allele frequency attached by ClinVar (database versions not stated): TOPMed 0.00001; ExAC 0.00004.

Submissions (2):

Labcorp Genetics (formerly Invitae), Labcorp
Classification: Likely benign for CHARGE syndrome. Last evaluated: 2025-10-27. Review status: criteria provided, single submitter. Criteria: Invitae Variant Classification Sherloc (09022015). Collection method: clinical testing. Allele origin: germline.

PreventionGenetics, part of Exact Sciences
Classification: Likely benign for CHD7-related condition. Last evaluated: 2023-09-26. Review status: no assertion criteria provided. Collection method: clinical testing. Allele origin: germline. Not counted in ClinVar's aggregate classification.
Comment: This variant is classified as likely benign based on ACMG/AMP sequence variant interpretation guidelines (Richards et al. 2015 PMID: 25741868, with internal and published modifications).

NM_017780.4(CHD7):c.5608-7T>G

Gene: CHD7 (chromodomain helicase DNA binding protein 7; plus strand). Cytogenetic location: 8q12.2.
Variant type: single nucleotide variant.
Coding change: c.5608-7T>G on transcript NM_017780.4 (MANE Select); 7 bases into the intron before coding-DNA position 5608, T replaced by G.
Molecular consequence: intron variant.
Genome position (GRCh38, 1-based): chr8:60,851,255, T>G. VCF-style: chr8-60851255-T-G. GRCh37 (hg19) VCF-style: chr8-61763814-T-G.
Other names: c.5608-7T>G (NM_017780.3); c.1717-10974T>G (NM_001316690.1).
Identifiers: ClinVar variation 2723234 (VCV002723234.5), dbSNP rs777265079, ClinGen allele CA4760422.